The following is an entry in ClinVar:

ClinVar aggregate classification (germline): Likely benign. Review status: criteria provided, multiple submitters, no conflicts (2 of 4 stars). 8 submissions from 8 submitters: Likely benign (4). 4 of the submissions do not count toward it. Last evaluated 2026-01-28.

Conditions:
RFX6-related disorder. Also called: RFX6-related condition.
Hypoplastic pancreas-intestinal atresia-hypoplastic gallbalder syndrome. Also called: DIABETES, NEONATAL, WITH PANCREATIC HYPOPLASIA, INTESTINAL ATRESIA, AND GALLBLADDER APLASIA OR HYPOPLASIA; Mitchell-Riley syndrome. Identifiers: Orphanet 293864, MedGen C2748662, MONDO:0017400, OMIM 615710.

Allele frequency attached by ClinVar (database versions not stated): 1000 Genomes Project 30x 0.00031; ESP Exome Variant Server 0.00048; TOPMed 0.00094; gnomAD 0.00114 and 0.00121.
gnomAD v4.1: 2,024 of 1,553,608 alleles (0.13%); highest among the groups gnomAD compares: South Asian, 0.17%; 3 homozygotes.

Submissions (9):

Labcorp Genetics (formerly Invitae), Labcorp
Classification: Likely benign. Last evaluated: 2026-01-28. Review status: criteria provided, single submitter. Criteria: Invitae Variant Classification Sherloc (09022015). Collection method: clinical testing. Allele origin: germline.

ARUP Laboratories, Molecular Genetics and Genomics, ARUP Laboratories
Classification: Likely benign for Hypoplastic pancreas-intestinal atresia-hypoplastic gallbalder syndrome. Last evaluated: 2025-07-21. Review status: criteria provided, single submitter. Criteria: ARUP Molecular Germline Variant Investigation Process 2024. Collection method: clinical testing. Allele origin: germline.

Blueprint Genetics
Classification: Likely benign. Last evaluated: 2024-11-20. Review status: criteria provided, single submitter. Criteria: ACMG Guidelines, 2015. Collection method: clinical testing. Allele origin: germline.

Breakthrough Genomics
Classification: Likely benign. Review status: criteria provided, single submitter. Criteria: ACMG Guidelines, 2015. Collection method: not provided. Allele origin: germline. Inheritance: Autosomal recessive inheritance. Affected: yes.

PreventionGenetics, part of Exact Sciences
Classification: Likely benign for RFX6-related condition. Last evaluated: 2021-01-28. Review status: no assertion criteria provided. Collection method: clinical testing. Allele origin: germline. Not counted in ClinVar's aggregate classification.
Comment: This variant is classified as likely benign based on ACMG/AMP sequence variant interpretation guidelines (Richards et al. 2015 PMID: 25741868, with internal and published modifications).

Department of Pathology and Laboratory Medicine, Sinai Health System
Classification: Uncertain significance. Review status: no assertion criteria provided. Collection method: clinical testing. Allele origin: unknown. Affected: yes. Study: The Canadian Open Genetics Repository (COGR). Not counted in ClinVar's aggregate classification.

Diagnostic Laboratory, Department of Genetics, University Medical Center Groningen
Classification: Likely benign. Review status: no assertion criteria provided. Collection method: clinical testing. Allele origin: germline. Affected: yes. Study: VKGL Data-share Consensus. Not counted in ClinVar's aggregate classification.

Dr. Peter K. Rogan Lab, Western University
No classification provided (evidence only). Condition: Gastric cancer. Review status: no classification provided. Collection method: in vitro. Allele origin: not applicable. Functional consequence: retained intron. Not counted in ClinVar's aggregate classification.

Laboratory of Diagnostic Genome Analysis, Leiden University Medical Center (LUMC)
Classification: Likely benign. Review status: no assertion criteria provided. Collection method: clinical testing. Allele origin: germline. Affected: yes. Study: VKGL Data-share Consensus. Not counted in ClinVar's aggregate classification.

NM_173560.4(RFX6):c.223G>C (p.Glu75Gln)

Genes: RFX6 (regulatory factor X6; plus strand), LOC127407129 (RFX6 promoter region; plus strand). Cytogenetic location: 6q22.1.
Variant type: single nucleotide variant.
Coding change: c.223G>C on transcript NM_173560.4 (MANE Select); coding-DNA position 223, G replaced by C.
Protein change: p.Glu75Gln; replaces glutamic acid 75 with glutamine.
Molecular consequence: missense variant.
Genome position (GRCh38, 1-based): chr6:116,877,498, G>C. VCF-style: chr6-116877498-G-C. GRCh37 (hg19) VCF-style: chr6-117198661-G-C.
Other names: short protein forms E75Q.
Identifiers: ClinVar variation 702436 (VCV000702436.18), dbSNP rs201996097, ClinGen allele CA3972959.
Genomic context (GRCh38, chr6:116,877,498, plus strand): 5'-GGCGAGCAGGGCGGCGGGGAGAAAGGCGAAGACCCGGAGCTGCCGGGGGCAGTGAAATCA[G>C]GTGAGTGCTCTGCCGCATCCGGAGCTGGGAAGGGGACGGGGACGTATTCTAAGAAGGGCA-3'
Protein context (NP_775831.2, residues 65-85): DPELPGAVKS[Glu75Gln]MHLNNGNFSS